The following is an entry in ClinVar:

ClinVar aggregate classification (germline): Benign/Likely benign. Review status: criteria provided, multiple submitters, no conflicts (2 of 4 stars). 3 submissions from 3 submitters: Benign (1); Likely benign (2). Last evaluated 2024-10-08.

Conditions:
Hereditary cancer-predisposing syndrome. Also called: Hereditary neoplastic syndrome; Neoplastic Syndromes, Hereditary; Tumor predisposition; Hereditary Cancer Syndrome. Identifiers: Orphanet 140162, MedGen C0027672, MeSH D009386, MONDO:0015356.
Familial cancer of breast. Also called: hereditary breast carcinoma; BREAST CANCER, FAMILIAL; Hereditary breast cancer. Identifiers: Orphanet 227535, MedGen C0346153, MONDO:0016419, OMIM 114480. Disease mechanism: loss of function.

Submissions (3):

Myriad Genetics, Inc.
Classification: Benign for Familial cancer of breast. Last evaluated: 2024-10-08. Review status: criteria provided, single submitter. Criteria: Myriad Autosomal Dominant, Autosomal Recessive and X-Linked Classification Criteria (2023). Collection method: clinical testing. Allele origin: unknown.
Comment: This variant is considered benign. This variant is a silent/synonymous amino acid change and it is not expected to impact splicing.

Labcorp Genetics (formerly Invitae), Labcorp
Classification: Likely benign for Familial cancer of breast. Last evaluated: 2024-03-20. Review status: criteria provided, single submitter. Criteria: Invitae Variant Classification Sherloc (09022015). Collection method: clinical testing. Allele origin: germline.

Ambry Genetics
Classification: Likely benign for Hereditary cancer-predisposing syndrome. Last evaluated: 2023-04-24. Review status: criteria provided, single submitter. Criteria: Ambry Variant Classification Scheme 2023. Collection method: clinical testing. Allele origin: germline.

NM_007194.4(CHEK2):c.1548T>C (p.Ser516=)

Gene: CHEK2 (checkpoint kinase 2; minus strand). Cytogenetic location: 22q12.1.
Variant type: single nucleotide variant.
Coding change: c.1548T>C on transcript NM_007194.4 (MANE Select); coding-DNA position 1548, T replaced by C.
Protein change: p.Ser516=; no amino-acid change (serine 516 retained).
Molecular consequence: synonymous variant.
Genome position (GRCh38, 1-based): chr22:28,687,981, A>G on the plus strand (T>C on the coding strand, the complement: CHEK2 is on the minus strand). VCF-style: chr22-28687981-A-G. GRCh37 (hg19) VCF-style: chr22-29083969-A-G.
Other names: c.1677T>C, p.Ser559= (NM_001005735.3); c.885T>C, p.Ser295= (NM_001257387.3); c.1347T>C, p.Ser449= (NM_001349956.3); c.1461T>C, p.Ser487= (NM_145862.3).
Identifiers: ClinVar variation 1144635 (VCV001144635.12), dbSNP rs2145739425, ClinGen allele CA513944685.